The following is an entry in ClinVar:

NM_025009.5(CEP135):c.1253G>A (p.Arg418Gln)

Gene: CEP135 (centrosomal protein 135; plus strand). Cytogenetic location: 4q12.
Variant type: single nucleotide variant.
Coding change: c.1253G>A on transcript NM_025009.5 (MANE Select); coding-DNA position 1253, G replaced by A.
Protein change: p.Arg418Gln; replaces arginine 418 with glutamine.
Molecular consequence: missense variant.
Genome position (GRCh38, 1-based): chr4:55,974,749, G>A. VCF-style: chr4-55974749-G-A. GRCh37 (hg19) VCF-style: chr4-56840915-G-A.
Other names: short protein forms R418Q.
Identifiers: ClinVar variation 2654763 (VCV002654763.24), dbSNP rs771786476, ClinGen allele CA2927821.

ClinVar aggregate classification (germline): Likely benign (1 of 4 stars; one submission).

Allele frequency attached by ClinVar (database versions not stated): TOPMed below 0.00001; ExAC 0.00001.
gnomAD v4.1: 8 of 1,608,740 alleles (0.0005%); highest among the groups gnomAD compares: East Asian, 0.0045%; no homozygotes.

Submission:

CeGaT Center for Human Genetics Tuebingen
Classification: Likely benign. Last evaluated: 2022-09-01. Review status: criteria provided, single submitter. Criteria: CeGaT Center For Human Genetics Tuebingen Variant Classification Criteria Version 2. Collection method: clinical testing. Allele origin: germline. Affected: yes. Observed: 1 variant allele.
Comment: CEP135: BP4